The following is an entry in ClinVar:

ClinVar aggregate classification (germline): Likely benign (1 of 4 stars; one submission).

gnomAD v4.1: 74 of 1,614,166 alleles (0.0046%); highest among the groups gnomAD compares: South Asian, 0.032%; no homozygotes.

Submission:

CeGaT Center for Human Genetics Tuebingen
Classification: Likely benign. Last evaluated: 2026-07-01. Review status: criteria provided, single submitter. Criteria: CeGaT Center For Human Genetics Tuebingen Variant Classification Criteria Version 2. Collection method: clinical testing. Allele origin: germline. Affected: yes. Observed: 1 variant allele.
Comment: TBL2: BP4

NM_012453.4(TBL2):c.383G>A (p.Arg128His)

Gene: TBL2 (transducin beta like 2; minus strand). Cytogenetic location: 7q11.23.
Variant type: single nucleotide variant.
Coding change: c.383G>A on transcript NM_012453.4 (MANE Select); coding-DNA position 383, G replaced by A.
Protein change: p.Arg128His; replaces arginine 128 with histidine.
Molecular consequence: missense variant. On other transcripts: 5 prime UTR variant (3).
Genome position (GRCh38, 1-based): chr7:73,574,001, C>T on the plus strand (G>A on the coding strand, the complement: TBL2 is on the minus strand). VCF-style: chr7-73574001-C-T. GRCh37 (hg19) VCF-style: chr7-72988331-C-T.
Other names: c.284G>A, p.Arg95His (NM_001362660.2); c.-90G>A (NM_001362661.2, NM_001362662.2, NM_001362663.2); short protein forms R128H, R95H.
Identifiers: ClinVar variation 5039490 (VCV005039490.1).